The following is an entry in ClinVar:

NM_015272.5(RPGRIP1L):c.1464del (p.Asn488fs)

Gene: RPGRIP1L (RPGRIP1 like; minus strand). Cytogenetic location: 16q12.2.
Variant type: Deletion.
Coding change: c.1464del on transcript NM_015272.5 (MANE Select); coding-DNA position 1464, one base deleted (T; older notation c.1464delT).
Protein change: p.Asn488fs; shifts the reading frame from asparagine 488.
Molecular consequence: frameshift variant.
Genome position (GRCh38, 1-based): chr16:53,657,570, A deleted on the plus strand (T on the coding strand, the reverse complement: RPGRIP1L is on the minus strand). VCF-style (leftmost placement, unchanged base first): chr16-53657569-TA-T. GRCh37 (hg19) VCF-style: chr16-53691481-TA-T.
Other names: c.1464delT (NM_015272.4); c.1464del, p.Asn488fs (NM_001127897.4, NM_001308334.3, NM_001330538.2); short protein forms N488fs.
Identifiers: ClinVar variation 2934216 (VCV002934216.5), dbSNP rs1214012000, ClinGen allele CA622655352.

ClinVar aggregate classification (germline): Pathogenic/Likely pathogenic. Review status: criteria provided, multiple submitters, no conflicts (2 of 4 stars). 3 submissions from 3 submitters: Pathogenic (1); Likely pathogenic (2). Last evaluated 2025-07-07.

Conditions:
Meckel syndrome, type 5 (MKS5). Identifiers: Orphanet 564, MedGen C1969052, MONDO:0012695, OMIM 611561.
Joubert syndrome 7 (JBTS7). Identifiers: Orphanet 220497, MedGen C1969053, MONDO:0012694, OMIM 611560.
COACH syndrome 3. Identifiers: MedGen C5436841, MONDO:0030862, OMIM 619113.
Joubert syndrome. Also called: CEREBELLOPARENCHYMAL DISORDER IV; JOUBERT-BOLTSHAUSER SYNDROME; Familial aplasia of the vermis. Identifiers: Orphanet 475, MedGen C5979921, MONDO:0018772.
Meckel-Gruber syndrome. Also called: DYSENCEPHALIA SPLANCHNOCYSTICA; GRUBER SYNDROME; Dysencephalia splachnocystica. Identifiers: Orphanet 564, MedGen C0265215, MONDO:0018921.

Allele frequency attached by ClinVar (database versions not stated): gnomAD exomes below 0.00001.

Submissions (3):

Natera, Inc.
Classification: Likely pathogenic for Joubert syndrome. Last evaluated: 2025-07-07. Review status: criteria provided, single submitter. Criteria: Natera Variant Classification Schema (03/2026). Collection method: clinical testing. Allele origin: germline.
Comment: The c.1464delT variant in RPGRIP1L is a frameshift variant predicted to shift the reading frame beginning at codon 488 and leads to a stop codon 4 codons downstream. This variant is expected to result in nonsense mediated decay, truncation, or a dysfunctional protein product. This variant is rare in the general population with a frequency below the threshold expected for the associated phenotype(s). Given the available evidence, this variant is classified as Likely Pathogenic.

Fulgent Genetics
Classification: Likely pathogenic for Joubert syndrome 7; Meckel syndrome, type 5; COACH syndrome 3. Last evaluated: 2024-04-24. Review status: criteria provided, single submitter. Criteria: ACMG Guidelines, 2015. Collection method: clinical testing. Allele origin: germline.

Labcorp Genetics (formerly Invitae), Labcorp
Classification: Pathogenic for Joubert syndrome; Meckel-Gruber syndrome. Last evaluated: 2023-05-15. Review status: criteria provided, single submitter. Criteria: Invitae Variant Classification Sherloc (09022015). Collection method: clinical testing. Allele origin: germline.
Comment: This sequence change creates a premature translational stop signal (p.Asn488Lysfs*4) in the RPGRIP1L gene. It is expected to result in an absent or disrupted protein product. Loss-of-function variants in RPGRIP1L are known to be pathogenic (PMID: 17558409). This variant is present in population databases (no rsID available, gnomAD 0.003%). This variant has not been reported in the literature in individuals affected with RPGRIP1L-related conditions. For these reasons, this variant has been classified as Pathogenic.

Literature cited by the submitters: PubMed 17558409 (cited by Labcorp Genetics (formerly Invitae), Labcorp).